The following is an entry in ClinVar:

ClinVar aggregate classification (germline): Uncertain significance (1 of 4 stars; one submission).

Allele frequency attached by ClinVar (database versions not stated): gnomAD 0.00003; ExAC 0.00005.
gnomAD v4.1: 5 of 1,555,450 alleles (0.00032%); highest among the groups gnomAD compares: African/African-American, 0.0054%; no homozygotes.

Submission:

Labcorp Genetics (formerly Invitae), Labcorp
Classification: Uncertain significance. Last evaluated: 2022-05-05. Review status: criteria provided, single submitter. Criteria: Invitae Variant Classification Sherloc (09022015). Collection method: clinical testing. Allele origin: germline.
Comment: In summary, the available evidence is currently insufficient to determine the role of this variant in disease. Therefore, it has been classified as a Variant of Uncertain Significance. Algorithms developed to predict the effect of missense changes on protein structure and function are either unavailable or do not agree on the potential impact of this missense change (SIFT: "Tolerated"; PolyPhen-2: "Not Available"; Align-GVGD: "Class C0"). This sequence change replaces arginine, which is basic and polar, with serine, which is neutral and polar, at codon 346 of the PDZD7 protein (p.Arg346Ser). The frequency data for this variant in the population databases is considered unreliable, as metrics indicate poor data quality at this position in the gnomAD database. This variant has not been reported in the literature in individuals affected with PDZD7-related conditions.

NM_001195263.2(PDZD7):c.1036C>A (p.Arg346Ser)

Gene: PDZD7 (PDZ domain containing 7; minus strand). Cytogenetic location: 10q24.31.
Variant type: single nucleotide variant.
Coding change: c.1036C>A on transcript NM_001195263.2 (MANE Select); coding-DNA position 1036, C replaced by A.
Protein change: p.Arg346Ser; replaces arginine 346 with serine.
Molecular consequence: missense variant.
Genome position (GRCh38, 1-based): chr10:101,019,110, G>T on the plus strand (C>A on the coding strand, the complement: PDZD7 is on the minus strand). VCF-style: chr10-101019110-G-T. GRCh37 (hg19) VCF-style: chr10-102778867-G-T.
Other names: c.1036C>A, p.Arg346Ser (NM_001351044.2, NM_024895.5); short protein forms R346S.
Identifiers: ClinVar variation 2113432 (VCV002113432.3), dbSNP rs778954172, ClinGen allele CA5654181.